The following is an entry in ClinVar:

NM_001004334.4(GPR179):c.6260C>T (p.Pro2087Leu)

Gene: GPR179 (G protein-coupled receptor 179; minus strand). Cytogenetic location: 17q12.
Variant type: single nucleotide variant.
Coding change: c.6260C>T on transcript NM_001004334.4 (MANE Select); coding-DNA position 6260, C replaced by T.
Protein change: p.Pro2087Leu; replaces proline 2087 with leucine.
Molecular consequence: missense variant.
Genome position (GRCh38, 1-based): chr17:38,327,309, G>A on the plus strand (C>T on the coding strand, the complement: GPR179 is on the minus strand). VCF-style: chr17-38327309-G-A. GRCh37 (hg19) VCF-style: chr17-36483192-G-A.
Other names: short protein forms P2087L.
Identifiers: ClinVar variation 1483231 (VCV001483231.8), dbSNP rs2144254866, ClinGen allele CA398869820.

ClinVar aggregate classification (germline): Uncertain significance (1 of 4 stars; one submission).

Submission:

Labcorp Genetics (formerly Invitae), Labcorp
Classification: Uncertain significance. Last evaluated: 2022-02-04. Review status: criteria provided, single submitter. Criteria: Invitae Variant Classification Sherloc (09022015). Collection method: clinical testing. Allele origin: germline.
Comment: This sequence change replaces proline, which is neutral and non-polar, with leucine, which is neutral and non-polar, at codon 2087 of the GPR179 protein (p.Pro2087Leu). This variant is not present in population databases (gnomAD no frequency). This variant has not been reported in the literature in individuals affected with GPR179-related conditions. Algorithms developed to predict the effect of missense changes on protein structure and function output the following: SIFT: "Deleterious"; PolyPhen-2: "Benign"; Align-GVGD: "Class C0". The leucine amino acid residue is found in multiple mammalian species, which suggests that this missense change does not adversely affect protein function. In summary, the available evidence is currently insufficient to determine the role of this variant in disease. Therefore, it has been classified as a Variant of Uncertain Significance.